The following is an entry in ClinVar:

NM_000283.4(PDE6B):c.1662C>G (p.Ile554Met)

Gene: PDE6B (phosphodiesterase 6B; plus strand). Cytogenetic location: 4p16.3.
Variant type: single nucleotide variant.
Coding change: c.1662C>G on transcript NM_000283.4 (MANE Select); coding-DNA position 1662, C replaced by G.
Protein change: p.Ile554Met; replaces isoleucine 554 with methionine.
Molecular consequence: missense variant.
Genome position (GRCh38, 1-based): chr4:662,181, C>G. VCF-style: chr4-662181-C-G. GRCh37 (hg19) VCF-style: chr4-655970-C-G.
Other names: c.1662C>G, p.Ile554Met (NM_001145291.2); c.825C>G, p.Ile275Met (NM_001145292.2, NM_001350154.3, NM_001379246.1 and 1 more transcripts); c.507C>G, p.Ile169Met (NM_001350155.3); short protein forms I554M, I169M, I275M.
Identifiers: ClinVar variation 2130906 (VCV002130906.4), dbSNP rs2474264911, ClinGen allele CA355916886.

ClinVar aggregate classification (germline): Uncertain significance (1 of 4 stars; one submission).

Submission:

Labcorp Genetics (formerly Invitae), Labcorp
Classification: Uncertain significance. Last evaluated: 2022-07-18. Review status: criteria provided, single submitter. Criteria: Invitae Variant Classification Sherloc (09022015). Collection method: clinical testing. Allele origin: germline.
Comment: This sequence change replaces isoleucine, which is neutral and non-polar, with methionine, which is neutral and non-polar, at codon 554 of the PDE6B protein (p.Ile554Met). This variant is not present in population databases (gnomAD no frequency). This variant has not been reported in the literature in individuals affected with PDE6B-related conditions. Algorithms developed to predict the effect of missense changes on protein structure and function are either unavailable or do not agree on the potential impact of this missense change (SIFT: "Deleterious"; PolyPhen-2: "Benign"; Align-GVGD: "Class C0"). In summary, the available evidence is currently insufficient to determine the role of this variant in disease. Therefore, it has been classified as a Variant of Uncertain Significance.